The following is an entry in ClinVar:

ClinVar aggregate classification (germline): Conflicting classifications of pathogenicity. Review status: criteria provided, conflicting classifications (1 of 4 stars). 6 submissions from 6 submitters: Uncertain significance (2); Likely benign (3). 1 of the submissions does not count toward it. Last evaluated 2025-01-18.

Conditions:
Maturity-onset diabetes of the young (MODY). Also called: Maturity onset diabetes mellitus in young. Identifiers: Orphanet 552, MedGen C0342276, MONDO:0018911, HP:0004904.
Permanent neonatal diabetes mellitus (PNDM). Identifiers: Orphanet 99885, MedGen C1833104, MONDO:0100164, MONDO:0011643. Disease mechanism: gain of function.
Inborn genetic diseases. Identifiers: MedGen C0950123, MeSH D030342.

Allele frequency attached by ClinVar (database versions not stated): ExAC 0.00009; gnomAD exomes 0.00010; gnomAD 0.00016 and 0.00018; TOPMed 0.00022; ESP Exome Variant Server 0.00054.
gnomAD v4.1: 315 of 1,613,996 alleles (0.02%); highest among the groups gnomAD compares: Non-Finnish European, 0.024%; no homozygotes.

Submissions (6):

Labcorp Genetics (formerly Invitae), Labcorp
Classification: Likely benign. Last evaluated: 2025-01-18. Review status: criteria provided, single submitter. Criteria: Invitae Variant Classification Sherloc (09022015). Collection method: clinical testing. Allele origin: germline.

Blueprint Genetics
Classification: Uncertain significance. Last evaluated: 2024-05-07. Review status: criteria provided, single submitter. Criteria: ACMG Guidelines, 2015. Collection method: clinical testing. Allele origin: germline.

Ambry Genetics
Classification: Likely benign for Inborn genetic diseases. Last evaluated: 2022-11-27. Review status: criteria provided, single submitter. Criteria: Ambry Variant Classification Scheme 2023. Collection method: clinical testing. Allele origin: germline.

Athena Diagnostics
Classification: Likely benign. Last evaluated: 2020-09-08. Review status: criteria provided, single submitter. Criteria: Athena Diagnostics criteria. Collection method: clinical testing. Allele origin: unknown.

Clinical Genomics, Uppaluri K&H Personalized Medicine Clinic
Classification: Uncertain significance for Maturity-onset diabetes of the young. Review status: criteria provided, single submitter. Criteria: K & H Uppaluri Personalized Medicine Clinic Variant Classification & Assertion Criteria_Updated V.1. Collection method: research. Allele origin: somatic. Inheritance: Autosomal dominant inheritance.
Comment: Mutations in KCNJ11 gene can cause decreased production and secretion of insulin. This can lead to MODY which may be responsive to oral sulfonylureas. It is also associated with Neonatal Diabetes. However, no sufficient evidence is found to ascertain the role of this particular variant (rs140636367) in MODY yet.

Natera, Inc.
Classification: Likely benign for Permanent neonatal diabetes mellitus. Last evaluated: 2020-04-13. Review status: no assertion criteria provided. Collection method: clinical testing. Allele origin: germline. Not counted in ClinVar's aggregate classification.

Literature cited by the submitters: PubMed 24068186 (cited by Athena Diagnostics); PubMed 18767144 (cited by Clinical Genomics, Uppaluri K&H Personalized Medicine Clinic); PubMed 26448950 (cited by Clinical Genomics, Uppaluri K&H Personalized Medicine Clinic); PubMed 15580558 (cited by Clinical Genomics, Uppaluri K&H Personalized Medicine Clinic); PubMed 15718250 (cited by Clinical Genomics, Uppaluri K&H Personalized Medicine Clinic); PubMed 32935446 (cited by Clinical Genomics, Uppaluri K&H Personalized Medicine Clinic); PubMed 22701567 (cited by Clinical Genomics, Uppaluri K&H Personalized Medicine Clinic).

NM_000525.4(KCNJ11):c.354G>A (p.Ser118=)

Gene: KCNJ11 (potassium inwardly rectifying channel subfamily J member 11; minus strand). Cytogenetic location: 11p15.1.
Variant type: single nucleotide variant.
Coding change: c.354G>A on transcript NM_000525.4 (MANE Select); coding-DNA position 354, G replaced by A.
Protein change: p.Ser118=; no amino-acid change (serine 118 retained).
Molecular consequence: synonymous variant.
Genome position (GRCh38, 1-based): chr11:17,387,738, C>T on the plus strand (G>A on the coding strand, the complement: KCNJ11 is on the minus strand). VCF-style: chr11-17387738-C-T. GRCh37 (hg19) VCF-style: chr11-17409285-C-T.
Other names: c.93G>A, p.Ser31= (NM_001166290.2, NM_001377296.1, NM_001377297.1).
Identifiers: ClinVar variation 303738 (VCV000303738.22), dbSNP rs140636367, ClinGen allele CA5902297.